The following is an entry in ClinVar:

ClinVar aggregate classification (germline): Pathogenic/Likely pathogenic. Review status: criteria provided, multiple submitters, no conflicts (2 of 4 stars). 2 submissions from 2 submitters: Pathogenic (1); Likely pathogenic (1). Last evaluated 2023-08-30.

Submissions (2):

Clinical Genetics Laboratory, Skane University Hospital Lund
Classification: Likely pathogenic. Last evaluated: 2023-08-30. Review status: criteria provided, single submitter. Criteria: ACMG Guidelines, 2015. Collection method: clinical testing. Allele origin: germline. Affected: yes.

Labcorp Genetics (formerly Invitae), Labcorp
Classification: Pathogenic. Last evaluated: 2023-01-19. Review status: criteria provided, single submitter. Criteria: Invitae Variant Classification Sherloc (09022015). Collection method: clinical testing. Allele origin: germline.
Comment: This variant has not been reported in the literature in individuals affected with TYRP1-related conditions. For these reasons, this variant has been classified as Pathogenic. This variant is present in population databases (rs775010915, gnomAD 0.0009%). This sequence change creates a premature translational stop signal (p.Lys141Profs*38) in the TYRP1 gene. It is expected to result in an absent or disrupted protein product. Loss-of-function variants in TYRP1 are known to be pathogenic (PMID: 8651291, 9345097).

Literature cited by the submitters: PubMed 8651291 (cited by Labcorp Genetics (formerly Invitae), Labcorp); PubMed 9345097 (cited by Labcorp Genetics (formerly Invitae), Labcorp).

NM_000550.3(TYRP1):c.421_425del (p.Lys141fs)

Gene: TYRP1 (tyrosinase related protein 1; plus strand). Cytogenetic location: 9p23.
Variant type: Microsatellite.
Coding change: c.421_425del on transcript NM_000550.3 (MANE Select); coding-DNA positions 421 to 425, 5 bases deleted (AAGAA; older notation c.421_425delAAGAA).
Protein change: p.Lys141fs; shifts the reading frame from lysine 141.
Molecular consequence: frameshift variant.
Genome position (GRCh38, 1-based): chr9:12,695,550-12,695,554, AAGAA deleted; deleting any 5 consecutive bases within chr9:12,695,545-12,695,554 gives the same sequence; the c. name uses the placement nearest the transcript's 3' end. VCF-style (leftmost placement, unchanged base first): chr9-12695544-GAAGAA-G. GRCh37 (hg19) VCF-style: chr9-12695544-GAAGAA-G.
Other names: short protein forms K141fs.
Identifiers: ClinVar variation 2822640 (VCV002822640.4), dbSNP rs775010915, ClinGen allele CA4985224.